The following is an entry in ClinVar:

ClinVar aggregate classification (germline): Pathogenic/Likely pathogenic. Review status: criteria provided, multiple submitters, no conflicts (2 of 4 stars). 2 submissions from 2 submitters: Pathogenic (1); Likely pathogenic (1). Last evaluated 2023-05-25.

Conditions:
Juvenile polyposis syndrome (JPS). Identifiers: Orphanet 2929, MedGen C0345893, MONDO:0017380, OMIM 174900.
Hereditary cancer-predisposing syndrome. Also called: Tumor predisposition; Hereditary neoplastic syndrome; Neoplastic Syndromes, Hereditary; Hereditary Cancer Syndrome. Identifiers: Orphanet 140162, MedGen C0027672, MeSH D009386, MONDO:0015356.

Submissions (2):

Myriad Genetics, Inc.
Classification: Likely pathogenic for Juvenile polyposis syndrome. Last evaluated: 2023-05-25. Review status: criteria provided, single submitter. Criteria: Myriad Autosomal Dominant, Autosomal Recessive and X-Linked Classification Criteria (2023). Collection method: clinical testing. Allele origin: unknown.
Comment: This variant is considered likely pathogenic. This variant is located within the gene translation start codon (p.Met1?) and is predicted to result in abnormal protein translation.

University of Washington Department of Laboratory Medicine, University of Washington
Classification: Pathogenic for Hereditary cancer-predisposing syndrome. Last evaluated: 2015-11-20. Review status: criteria provided, single submitter. Criteria: Shirts et al. (Genet Med 2016). Collection method: clinical testing. Allele origin: germline. Affected: no. Observed: 1 variant allele.

NM_004329.3(BMPR1A):c.3G>C (p.Met1Ile)

Gene: BMPR1A (bone morphogenetic protein receptor type 1A; plus strand). Cytogenetic location: 10q23.2.
Variant type: single nucleotide variant.
Coding change: c.3G>C on transcript NM_004329.3 (MANE Select); coding-DNA position 3, G replaced by C.
Protein change: p.Met1Ile; changes the start codon (methionine 1).
Molecular consequence: missense variant, initiator codon variant.
Genome position (GRCh38, 1-based): chr10:86,876,021, G>C. VCF-style: chr10-86876021-G-C. GRCh37 (hg19) VCF-style: chr10-88635778-G-C.
Other names: short protein forms M1I.
Identifiers: ClinVar variation 224521 (VCV000224521.6), dbSNP rs869312758, ClinGen allele CA353511.